The following is an entry in ClinVar:

NM_182914.3(SYNE2):c.15724C>T (p.Pro5242Ser)

Gene: SYNE2 (spectrin repeat containing nuclear envelope protein 2; plus strand). Cytogenetic location: 14q23.2.
Variant type: single nucleotide variant.
Coding change: c.15724C>T on transcript NM_182914.3 (MANE Select); coding-DNA position 15724, C replaced by T.
Protein change: p.Pro5242Ser; replaces proline 5242 with serine.
Molecular consequence: missense variant.
Genome position (GRCh38, 1-based): chr14:64,152,648, C>T. VCF-style: chr14-64152648-C-T. GRCh37 (hg19) VCF-style: chr14-64619366-C-T.
Other names: c.15724C>T, p.Pro5242Ser (NM_015180.6); c.15724C>T (NM_182914.2); short protein forms P5242S.
Identifiers: ClinVar variation 1425081 (VCV001425081.10), dbSNP rs2153704617, ClinGen allele CA389951642.
Genomic context (GRCh38, chr14:64,152,648, plus strand): 5'-AAATCCAAAGCACTAGATGAGTTGAAACAAAGTTATCTGACTTTGGAGAGTGGGGCAGTG[C>T]CATTGTTAGAAGATACAGCATCCCGAATTGATGAGTTATTTCAAAAGAGAAGCAGTGTTC-3'
Protein context (NP_878918.2, residues 5232-5252): SYLTLESGAV[Pro5242Ser]LLEDTASRID

ClinVar aggregate classification (germline): Uncertain significance. Review status: criteria provided, multiple submitters, no conflicts (2 of 4 stars). 2 submissions from 2 submitters: Uncertain significance (2). Last evaluated 2021-08-02.

Conditions:
Emery-Dreifuss muscular dystrophy 5, autosomal dominant (EDMD5). Also called: EMERY-DREIFUSS MUSCULAR DYSTROPHY 5. Identifiers: Orphanet 261, MedGen C2751805, MONDO:0013072, OMIM 612999.

Submissions (2):

Ambry Genetics
Classification: Uncertain significance. Last evaluated: 2021-08-02. Review status: criteria provided, single submitter. Criteria: Ambry Variant Classification Scheme 2023. Collection method: clinical testing. Allele origin: germline.

Labcorp Genetics (formerly Invitae), Labcorp
Classification: Uncertain significance for Emery-Dreifuss muscular dystrophy 5, autosomal dominant. Last evaluated: 2020-12-19. Review status: criteria provided, single submitter. Criteria: Invitae Variant Classification Sherloc (09022015). Collection method: clinical testing. Allele origin: germline.
Comment: In summary, the available evidence is currently insufficient to determine the role of this variant in disease. Therefore, it has been classified as a Variant of Uncertain Significance. Algorithms developed to predict the effect of missense changes on protein structure and function are either unavailable or do not agree on the potential impact of this missense change (SIFT: "Tolerated"; PolyPhen-2: "Probably Damaging"; Align-GVGD: "Class C0"). This variant has not been reported in the literature in individuals with SYNE2-related conditions. This variant is not present in population databases (ExAC no frequency). This sequence change replaces proline with serine at codon 5242 of the SYNE2 protein (p.Pro5242Ser). The proline residue is moderately conserved and there is a moderate physicochemical difference between proline and serine.